The following is an entry in ClinVar:

ClinVar aggregate classification (germline): Likely pathogenic (1 of 4 stars; one submission).

Submission:

GeneDx
Classification: Likely pathogenic. Last evaluated: 2016-11-02. Review status: criteria provided, single submitter. Criteria: GeneDx Variant Classification (06012015). Collection method: clinical testing. Allele origin: germline. Affected: yes.
Comment: The C959R variant in the SCN2A gene has not been reported previously as a pathogenic variant, nor as a benign variant, to our knowledge. The C959R variant was not observed in approximately 6500 individuals of European and African American ancestry in the NHLBI Exome Sequencing Project, indicating it is not a common benign variant in these populations. The C959R variant is a non-conservative amino acid substitution, which occurs at a position that is conserved across species. In silico analysis predicts this variant is probably damaging to the protein structure/function. The C959R variant is a strong candidate for a pathogenic variant that may be related to the clinical features in this individual. However the possibility it may be a rare benign variant cannot be excluded.

NM_001040142.2(SCN2A):c.2875T>C (p.Cys959Arg)

Gene: SCN2A (sodium voltage-gated channel alpha subunit 2; plus strand). Cytogenetic location: 2q24.3.
Variant type: single nucleotide variant.
Coding change: c.2875T>C on transcript NM_001040142.2 (MANE Select); coding-DNA position 2875, T replaced by C.
Protein change: p.Cys959Arg; replaces cysteine 959 with arginine.
Molecular consequence: missense variant.
Genome position (GRCh38, 1-based): chr2:165,344,867, T>C. VCF-style: chr2-165344867-T-C. GRCh37 (hg19) VCF-style: chr2-166201377-T-C.
Other names: c.2875T>C, p.Cys959Arg (NM_001040143.2, NM_001371246.1, NM_001371247.1 and 1 more transcripts); short protein forms C959R.
Identifiers: ClinVar variation 390254 (VCV000390254.2), dbSNP rs1057523696, ClinGen allele CA16604013.